The following is an entry in ClinVar:

ClinVar aggregate classification (germline): Uncertain significance (1 of 4 stars; one submission).

Conditions:
Dystonia 28, childhood-onset (DYT28). Also called: KMT2B-Related Dystonia (DYT-KMT2B). Identifiers: Orphanet 589618, MedGen C4310633, MONDO:0015004, OMIM 617284.

Submission:

SIB Swiss Institute of Bioinformatics
Classification: Uncertain significance for Dystonia 28, childhood-onset. Last evaluated: 2018-04-16. Review status: criteria provided, single submitter. Criteria: ACMG Guidelines, 2015. Collection method: curation. Allele origin: germline.
Comment: This variant is interpreted as a Uncertain Significance, for Dystonia 28, childhood-onset, Autosomal Dominant inheritance. The following ACMG Tag(s) were applied: PM2 => Absent from controls (or at extremely low frequency if recessive) in Exome Sequencing Project, 1000 Genomes Project, or Exome Aggregation Consortium. PP3 => Multiple lines of computational evidence support a deleterious effect on the gene or gene product.

Literature cited by the submitters: PubMed 27992417.

NM_014727.3(KMT2B):c.8021T>C (p.Ile2674Thr)

Gene: KMT2B (lysine methyltransferase 2B; plus strand). Cytogenetic location: 19q13.12.
Variant type: single nucleotide variant.
Coding change: c.8021T>C on transcript NM_014727.3 (MANE Select); coding-DNA position 8021, T replaced by C.
Protein change: p.Ile2674Thr; replaces isoleucine 2674 with threonine.
Molecular consequence: missense variant.
Genome position (GRCh38, 1-based): chr19:35,738,430, T>C. VCF-style: chr19-35738430-T-C. GRCh37 (hg19) VCF-style: chr19-36229331-T-C.
Other names: NM_014727.2:n.8021T>C(p.Ile2674Thr); short protein forms I2674T.
Identifiers: ClinVar variation 549485 (VCV000549485.1), dbSNP rs1555735051, ClinGen allele CA405440716.